The following is an entry in ClinVar:

ClinVar aggregate classification (germline): Pathogenic. Review status: criteria provided, single submitter (1 of 4 stars). 2 submissions from 2 submitters: Pathogenic (1). 1 of the submissions does not count toward it. Last evaluated 2023-06-08.

Conditions:
Warts, hypogammaglobulinemia, infections, and myelokathexis. Also called: WHIM syndrome. Identifiers: MedGen C0472817, MONDO:0023880.

Submissions (2):

Labcorp Genetics (formerly Invitae), Labcorp
Classification: Pathogenic for Warts, hypogammaglobulinemia, infections, and myelokathexis. Last evaluated: 2023-06-08. Review status: criteria provided, single submitter. Criteria: Invitae Variant Classification Sherloc (09022015). Collection method: clinical testing. Allele origin: germline.
Comment: For these reasons, this variant has been classified as Pathogenic. This variant is located in a region of the CXCR4 protein where a significant number of CXCR4 nonsense and frameshift mutations have been reported in association with autosomal dominant WHIM syndrome (PMID: 31313072, 32784523, 35947323, 36089616). Experimental studies have shown that this premature translational stop signal affects CXCR4 function (PMID: 36089616). Algorithms developed to predict the effect of variants on protein structure and function are not available or were not evaluated for this variant. ClinVar contains an entry for this variant (Variation ID: 1036381). This variant is also known as c.969_970insG G323fs343. This premature translational stop signal has been observed in individual(s) with WHIM syndrome (PMID: 23009155). This variant is not present in population databases (gnomAD no frequency). This sequence change creates a premature translational stop signal (p.Ser324Valfs*20) in the CXCR4 gene. While this is not anticipated to result in nonsense mediated decay, it is expected to disrupt the last 29 amino acid(s) of the CXCR4 protein.

OMIM
Classification: Pathogenic for WHIM SYNDROME. Last evaluated: 2026-05-21. Review status: no assertion criteria provided. Collection method: literature only. Allele origin: germline. Not counted in ClinVar's aggregate classification.

Literature cited by the submitters: PubMed 31313072 (cited by Labcorp Genetics (formerly Invitae), Labcorp); PubMed 32784523 (cited by Labcorp Genetics (formerly Invitae), Labcorp); PubMed 35947323 (cited by Labcorp Genetics (formerly Invitae), Labcorp); PubMed 36089616 (cited by Labcorp Genetics (formerly Invitae), Labcorp); PubMed 23009155 (cited by Labcorp Genetics (formerly Invitae), Labcorp and OMIM).

NM_003467.3(CXCR4):c.969dup (p.Ser324fs)

Gene: CXCR4 (C-X-C motif chemokine receptor 4; minus strand). Cytogenetic location: 2q22.1.
Variant type: Duplication.
Coding change: c.969dup on transcript NM_003467.3 (MANE Select); coding-DNA position 969, one base duplicated (G; older notation c.969dupG).
Protein change: p.Ser324fs; shifts the reading frame from serine 324.
Molecular consequence: frameshift variant.
Genome position (GRCh38, 1-based): chr2:136,114,959, C duplicated on the plus strand (G on the coding strand, the reverse complement: CXCR4 is on the minus strand); the first of 3 consecutive C bases (chr2:136,114,959-136,114,961); duplicating any one gives the same sequence. VCF-style (leftmost placement, unchanged base first): chr2-136114958-A-AC. GRCh37 (hg19) VCF-style: chr2-136872528-A-AC.
Other names: c.981dup, p.Ser328fs (NM_001008540.2); c.1182dup, p.Ser395fs (NM_001348056.2); c.1068dup, p.Ser357fs (NM_001348059.2); c.924dup, p.Ser309fs (NM_001348060.2); short protein forms S309fs, S324fs, S328fs, S357fs, S395fs.
Identifiers: ClinVar variation 1036381 (VCV001036381.14), dbSNP rs1684840786, ClinGen allele CA645539222.